The following is an entry in ClinVar:

NM_002972.4(SBF1):c.1450G>A (p.Val484Met)

Gene: SBF1 (SET binding factor 1; minus strand). Cytogenetic location: 22q13.33.
Variant type: single nucleotide variant.
Coding change: c.1450G>A on transcript NM_002972.4 (MANE Select); coding-DNA position 1450, G replaced by A.
Protein change: p.Val484Met; replaces valine 484 with methionine.
Molecular consequence: missense variant.
Genome position (GRCh38, 1-based): chr22:50,464,720, C>T on the plus strand (G>A on the coding strand, the complement: SBF1 is on the minus strand). VCF-style: chr22-50464720-C-T. GRCh37 (hg19) VCF-style: chr22-50903149-C-T.
Other names: c.1453G>A, p.Val485Met (NM_001365819.1, NM_001410794.1); c.1450G>A, p.Val484Met (NM_001410795.1, NM_197971.1); c.1450G>A (NM_002972.2); short protein forms V485M, V484M.
Identifiers: ClinVar variation 2198660 (VCV002198660.29), dbSNP rs761073325, ClinGen allele CA10317644.

ClinVar aggregate classification (germline): Uncertain significance. Review status: criteria provided, multiple submitters, no conflicts (2 of 4 stars). 3 submissions from 3 submitters: Uncertain significance (3). Last evaluated 2025-07-06.

Allele frequency attached by ClinVar (database versions not stated): gnomAD 0.00001; TOPMed 0.00001; ExAC 0.00002; gnomAD exomes 0.00002.
gnomAD v4.1: 29 of 1,606,726 alleles (0.0018%); highest among the groups gnomAD compares: Middle Eastern, 0.082%; no homozygotes.

Submissions (3):

Labcorp Genetics (formerly Invitae), Labcorp
Classification: Uncertain significance. Last evaluated: 2025-07-06. Review status: criteria provided, single submitter. Criteria: Invitae Variant Classification Sherloc (09022015). Collection method: clinical testing. Allele origin: germline.
Comment: This sequence change replaces valine, which is neutral and non-polar, with methionine, which is neutral and non-polar, at codon 484 of the SBF1 protein (p.Val484Met). This variant is present in population databases (rs761073325, gnomAD 0.007%). This variant has not been reported in the literature in individuals affected with SBF1-related conditions. ClinVar contains an entry for this variant (Variation ID: 2198660). An algorithm developed to predict the effect of missense changes on protein structure and function (PolyPhen-2) suggests that this variant is likely to be disruptive. In summary, the available evidence is currently insufficient to determine the role of this variant in disease. Therefore, it has been classified as a Variant of Uncertain Significance.

GeneDx
Classification: Uncertain significance. Last evaluated: 2025-05-20. Review status: criteria provided, single submitter. Criteria: GeneDx Variant Classification Process June 2021. Collection method: clinical testing. Allele origin: germline. Affected: yes.
Comment: Not observed at significant frequency in large population cohorts (gnomAD); In silico analysis suggests that this missense variant does not alter protein structure/function; Has not been previously published as pathogenic or benign to our knowledge

CeGaT Center for Human Genetics Tuebingen
Classification: Uncertain significance. Last evaluated: 2023-07-01. Review status: criteria provided, single submitter. Criteria: CeGaT Center For Human Genetics Tuebingen Variant Classification Criteria Version 2. Collection method: clinical testing. Allele origin: germline. Affected: yes. Observed: 1 variant allele.
Comment: SBF1: PM2, PP3